The following is an entry in ClinVar:

NM_000079.4(CHRNA1):c.902C>G (p.Thr301Ser)

Gene: CHRNA1 (cholinergic receptor nicotinic alpha 1 subunit; minus strand). Cytogenetic location: 2q31.1.
Variant type: single nucleotide variant.
Coding change: c.902C>G on transcript NM_000079.4 (MANE Select); coding-DNA position 902, C replaced by G.
Protein change: p.Thr301Ser; replaces threonine 301 with serine.
Molecular consequence: missense variant.
Genome position (GRCh38, 1-based): chr2:174,750,046, G>C on the plus strand (C>G on the coding strand, the complement: CHRNA1 is on the minus strand). VCF-style: chr2-174750046-G-C. GRCh37 (hg19) VCF-style: chr2-175614774-G-C.
Other names: c.977C>G, p.Thr326Ser (NM_001039523.3); short protein forms T301S, T326S.
Identifiers: ClinVar variation 1687566 (VCV001687566.1), dbSNP rs2105345315, ClinGen allele CA349336418.

ClinVar aggregate classification (germline): Uncertain significance (1 of 4 stars; one submission).

Conditions:
Myasthenic syndrome, congenital, 1A, slow-channel. Also called: CMS IIa; MYASTHENIC SYNDROME, CONGENITAL, TYPE IIa; Congenital myasthenic syndrome 1A. Identifiers: MedGen C2931107, MONDO:0011088, OMIM 601462.

Submission:

3billion
Classification: Uncertain significance for Myasthenic syndrome, congenital, 1A, slow-channel. Last evaluated: 2022-05-22. Review status: criteria provided, single submitter. Criteria: ACMG Guidelines, 2015. Collection method: clinical testing. Allele origin: germline. Affected: yes. Observed: 1 heterozygote.
Comment: The variant is not observed in the gnomAD v2.1.1 dataset. Missense changes are a common disease-causing mechanism. In silico tool predictions suggest damaging effect of the variant on gene or gene product (REVEL: 0.75; 3Cnet: 0.84). A different missense change at the same codon (p.Thr301Asn) has been reported to be associated with CHRNA1 related disorder (PMID: 22678886). However the evidence of pathogenicity is insufficient at this time. Therefore, this variant is classified as uncertain significanceaccording to the recommendation of ACMG/AMP guideline.

Literature cited by the submitters: PubMed 22678886.